The following is an entry in ClinVar:

ClinVar aggregate classification (germline): Uncertain significance (1 of 4 stars; one submission).

Conditions:
Malignant hyperthermia, susceptibility to, 1 (MHS1). Also called: RYR1-Related Malignant Hyperthermia Susceptibility; Anesthesia related hyperthermia; Malignant hyperpyrexia; Fulminating hyperpyrexia; Pharmacogenic myopathy; Malignant hyperthermia suceptibility 1. Identifiers: Orphanet 423, MedGen C2930980, MONDO:0007783, OMIM 145600.

Submission:

All of Us Research Program, National Institutes of Health
Classification: Uncertain significance for Malignant hyperthermia, susceptibility to, 1. Last evaluated: 2024-03-24. Review status: criteria provided, single submitter. Criteria: ACMG Guidelines, 2015. Collection method: clinical testing. Allele origin: germline. Inheritance: Autosomal dominant inheritance. Observed: 3 variant alleles, 3 heterozygotes.
Comment: This variant causes the deletion of one nucleotide at the +6 position of intron 83 in the RYR1 gene. To our knowledge, functional studies have not been reported for this variant. This variant has not been reported in individuals affected with RYR1-related disorders in the literature. This variant has not been identified in the general population by the Genome Aggregation Database (gnomAD). The available evidence is insufficient to determine the role of this variant in disease conclusively. Therefore, this variant is classified as a Variant of Uncertain Significance.

This study involves interpretation of variants in research participants for the purpose of population health screening. Participant phenotype was not available at the time of variant classification. Additional details can be found in publication PMID: 35346344, PMCID: PMC8962531

NM_000540.3(RYR1):c.11608+6del

Gene: RYR1 (ryanodine receptor 1; plus strand). Cytogenetic location: 19q13.2.
Variant type: Deletion.
Coding change: c.11608+6del on transcript NM_000540.3 (MANE Select); 6 bases into the intron after coding-DNA position 11608, one base deleted (T; older notation c.11608+6delT).
Molecular consequence: intron variant.
Genome position (GRCh38, 1-based): chr19:38,536,773, T deleted; the last of 2 consecutive T bases (chr19:38,536,772-38,536,773); deleting either gives the same sequence. VCF-style (leftmost placement, unchanged base first): chr19-38536771-AT-A. GRCh37 (hg19) VCF-style: chr19-39027411-AT-A.
Other names: c.11593+6del (NM_001042723.2).
Identifiers: ClinVar variation 3070250 (VCV003070250.2), dbSNP rs2514541367, ClinGen allele CA2576771989.